The following is an entry in ClinVar:

NM_178857.6(RP1L1):c.5879_6487del (p.Val1960_Glu2162del)

Gene: RP1L1 (RP1 like 1). Cytogenetic location: 8p23.1.
Variant type: Deletion.
Coding change: c.5879_6487del on transcript NM_178857.6 (MANE Select); coding-DNA positions 5879 to 6487, 609 bases deleted.
Protein change: p.Val1960_Glu2162del.
Molecular consequence: inframe deletion.
Genome position: GRCh38: chr8:10,607,629-10,608,237. GRCh37 (hg19): chr8:10,465,139-10,465,747.
Identifiers: ClinVar variation 2582053 (VCV002582053.1), dbSNP rs2486281920, ClinGen allele CA2579753932.

ClinVar aggregate classification (germline): Uncertain significance (1 of 4 stars; one submission).

Submission:

GeneDx
Classification: Uncertain significance. Last evaluated: 2023-03-27. Review status: criteria provided, single submitter. Criteria: GeneDx Variant Classification Process June 2021. Collection method: clinical testing. Allele origin: germline. Affected: yes.
Comment: Not observed at significant frequency in large population cohorts (gnomAD); In-frame deletion of 203 amino acids in a non-repeat region; In silico analysis supports a deleterious effect on protein structure/function; Has not been previously published as pathogenic or benign to our knowledge